The following is an entry in ClinVar:

ClinVar aggregate classification (germline): Uncertain significance. Review status: criteria provided, multiple submitters, no conflicts (2 of 4 stars). 2 submissions from 2 submitters: Uncertain significance (2). Last evaluated 2024-07-31.

Conditions:
Primary ciliary dyskinesia 33. Also called: CILIARY DYSKINESIA, PRIMARY, 33, WITHOUT SITUS INVERSUS. Identifiers: Orphanet 244, MedGen C4225230, MONDO:0014750, OMIM 616726.

Allele frequency attached by ClinVar (database versions not stated): TOPMed 0.00007.
gnomAD v4.1: 286 of 1,613,654 alleles (0.018%); highest among the groups gnomAD compares: Non-Finnish European, 0.014%; 2 homozygotes.

Submissions (2):

Blueprint Genetics
Classification: Uncertain significance. Last evaluated: 2024-07-31. Review status: criteria provided, single submitter. Criteria: ACMG Guidelines, 2015. Collection method: clinical testing. Allele origin: germline.

Labcorp Genetics (formerly Invitae), Labcorp
Classification: Uncertain significance for Primary ciliary dyskinesia 33. Last evaluated: 2022-09-27. Review status: criteria provided, single submitter. Criteria: Invitae Variant Classification Sherloc (09022015). Collection method: clinical testing. Allele origin: germline.
Comment: In summary, the available evidence is currently insufficient to determine the role of this variant in disease. Therefore, it has been classified as a Variant of Uncertain Significance. Algorithms developed to predict the effect of missense changes on protein structure and function are either unavailable or do not agree on the potential impact of this missense change (SIFT: "Tolerated"; PolyPhen-2: "Possibly Damaging"; Align-GVGD: "Class C0"). ClinVar contains an entry for this variant (Variation ID: 835829). This variant has not been reported in the literature in individuals affected with GAS8-related conditions. This variant is present in population databases (rs147133929, gnomAD 0.1%). This sequence change replaces valine, which is neutral and non-polar, with methionine, which is neutral and non-polar, at codon 97 of the GAS8 protein (p.Val97Met).

NM_001481.3(DRC4):c.289G>A (p.Val97Met)

Gene: DRC4 (dynein regulatory complex subunit 4; plus strand). Cytogenetic location: 16q24.3.
Variant type: single nucleotide variant.
Coding change: c.289G>A on transcript NM_001481.3 (MANE Select); coding-DNA position 289, G replaced by A.
Protein change: p.Val97Met; replaces valine 97 with methionine.
Molecular consequence: missense variant. On other transcripts: 5 prime UTR variant (1).
Genome position (GRCh38, 1-based): chr16:90,032,718, G>A. VCF-style: chr16-90032718-G-A. GRCh37 (hg19) VCF-style: chr16-90099126-G-A.
Other names: c.40G>A, p.Val14Met (NM_001286205.2); c.-233G>A (NM_001286208.2); c.214G>A, p.Val72Met (NM_001286209.2); short protein forms V97M, V14M, V72M.
Identifiers: ClinVar variation 835829 (VCV000835829.8), dbSNP rs147133929, ClinGen allele CA8257757.
Genomic context (GRCh38, chr16:90,032,718, plus strand): 5'-GTACGGAAAGGTGAGGAGGTGTGGTGCAGGTGAGCAGATGGTACTCCCATTGCCCTGCAG[G>A]TGTACAAGCAGAAAGTGAAGCACCTGCTATATGAGCACCAGAACAACCTGACAGAGATGA-3'
Protein context (NP_001472.1, residues 87-107): AEERHQVEIK[Val97Met]YKQKVKHLLY